The following is an entry in ClinVar:

ClinVar aggregate classification (germline): Pathogenic/Likely pathogenic. Review status: criteria provided, multiple submitters, no conflicts (2 of 4 stars). 5 submissions from 5 submitters: Pathogenic (4); Likely pathogenic (1). Last evaluated 2025-10-08.

Conditions:
Pendred syndrome (PDS). Also called: DEAFNESS WITH GOITER; Pendred Syndrome (PDS); GOITER-DEAFNESS SYNDROME; HYPOTHYROIDISM, CONGENITAL, DUE TO DYSHORMONOGENESIS, 2B; THYROID DYSHORMONOGENESIS 2B; THYROID HORMONOGENESIS, GENETIC DEFECT IN, 2B. Identifiers: Orphanet 705, MedGen C0271829, MONDO:0010134, OMIM 274600.
Autosomal recessive nonsyndromic hearing loss 4 (DFNB4). Also called: FOXI1-Related Pendred Syndrome; KCNJ10-Related Pendred Syndrome; DEAFNESS, AUTOSOMAL RECESSIVE 4, WITH ENLARGED VESTIBULAR AQUEDUCT, DIGENIC; Enlarged vestibular aqueduct, digenic; NEUROSENSORY NONSYNDROMIC RECESSIVE DEAFNESS 4; Deafness, autosomal recessive 4, with enlarged vestibular aqueduct. Identifiers: Orphanet 90636, MedGen C3538946, MONDO:0010933, OMIM 600791.

Submissions (5):

Myriad Genetics, Inc.
Classification: Pathogenic for Pendred syndrome. Last evaluated: 2025-10-08. Review status: criteria provided, single submitter. Criteria: Myriad Autosomal Dominant, Autosomal Recessive and X-Linked Classification Criteria (2023). Collection method: clinical testing. Allele origin: unknown.
Comment: NM_000441.1(SLC26A4):c.1343C>A(S448*) is expected to be pathogenic in the context of Pendred syndrome. This variant is predicted to lead to an abnormal or absent protein product due to the creation of a premature termination codon in SLC26A4, a gene where loss-of-function variants are known to be pathogenic. Please note: this variant was assessed in the context of healthy population screening.

Fulgent Genetics
Classification: Likely pathogenic for Pendred syndrome; Autosomal recessive nonsyndromic hearing loss 4. Last evaluated: 2024-06-22. Review status: criteria provided, single submitter. Criteria: ACMG Guidelines, 2015. Collection method: clinical testing. Allele origin: germline.

Baylor Genetics
Classification: Pathogenic for Autosomal recessive nonsyndromic hearing loss 4. Last evaluated: 2023-08-04. Review status: criteria provided, single submitter. Criteria: ACMG Guidelines, 2015. Collection method: clinical testing. Allele origin: unknown.

GeneDx
Classification: Pathogenic. Last evaluated: 2022-04-01. Review status: criteria provided, single submitter. Criteria: GeneDx Variant Classification Process June 2021. Collection method: clinical testing. Allele origin: germline. Affected: yes.
Comment: Nonsense variant predicted to result in protein truncation or nonsense mediated decay in a gene for which loss of function is a known mechanism of disease; Not observed at significant frequency in large population cohorts (gnomAD); This variant is associated with the following publications: (PMID: 25525159, 16086271, 30554688, 34335733, 30275481, 21961810, 34170635, 33597575, 25372295)

Labcorp Genetics (formerly Invitae), Labcorp
Classification: Pathogenic. Last evaluated: 2020-05-13. Review status: criteria provided, single submitter. Criteria: Invitae Variant Classification Sherloc (09022015). Collection method: clinical testing. Allele origin: germline.
Comment: This sequence change creates a premature translational stop signal (p.Ser448*) in the SLC26A4 gene. It is expected to result in an absent or disrupted protein product. This variant is not present in population databases (ExAC no frequency). This variant has been observed in individual(s) with SLC26A4-related conditions (PMID: 16086271, 25372295, 30554688). In at least one individual the data is consistent with the variant being in trans (on the opposite chromosome) from a pathogenic variant. Algorithms developed to predict the effect of sequence changes on RNA splicing suggest that this variant may create or strengthen a splice site, but this prediction has not been confirmed by published transcriptional studies. Loss-of-function variants in SLC26A4 are known to be pathogenic (PMID: 16283880, 25394566, 26252218, 26445815). For these reasons, this variant has been classified as Pathogenic.

Literature cited by the submitters: PubMed 16086271 (cited by Labcorp Genetics (formerly Invitae), Labcorp); PubMed 25372295 (cited by Labcorp Genetics (formerly Invitae), Labcorp); PubMed 30554688 (cited by Labcorp Genetics (formerly Invitae), Labcorp); PubMed 16283880 (cited by Labcorp Genetics (formerly Invitae), Labcorp); PubMed 25394566 (cited by Labcorp Genetics (formerly Invitae), Labcorp); PubMed 26252218 (cited by Labcorp Genetics (formerly Invitae), Labcorp); PubMed 26445815 (cited by Labcorp Genetics (formerly Invitae), Labcorp).

NM_000441.2(SLC26A4):c.1343C>A (p.Ser448Ter)

Gene: SLC26A4 (solute carrier family 26 member 4; plus strand). Cytogenetic location: 7q22.3.
Variant type: single nucleotide variant.
Coding change: c.1343C>A on transcript NM_000441.2 (MANE Select); coding-DNA position 1343, C replaced by A.
Protein change: p.Ser448Ter; replaces serine 448 with a stop codon.
Molecular consequence: nonsense.
Genome position (GRCh38, 1-based): chr7:107,694,622, C>A. VCF-style: chr7-107694622-C-A. GRCh37 (hg19) VCF-style: chr7-107335067-C-A.
Other names: short protein forms S448*.
Identifiers: ClinVar variation 1073634 (VCV001073634.13), dbSNP rs747076316, ClinGen allele CA368840510.